The following is an entry in ClinVar:

NM_032383.5(HPS3):c.1509+5T>C

Gene: HPS3 (HPS3 biogenesis of lysosomal organelles complex 2 subunit 1; plus strand). Cytogenetic location: 3q24.
Variant type: single nucleotide variant.
Coding change: c.1509+5T>C on transcript NM_032383.5 (MANE Select); 5 bases into the intron after coding-DNA position 1509, T replaced by C.
Molecular consequence: intron variant.
Genome position (GRCh38, 1-based): chr3:149,155,220, T>C. VCF-style: chr3-149155220-T-C. GRCh37 (hg19) VCF-style: chr3-148873007-T-C.
Other names: c.1014+5T>C (NM_001308258.2).
Identifiers: ClinVar variation 902307 (VCV000902307.6), dbSNP rs200117898, ClinGen allele CA2660107.

ClinVar aggregate classification (germline): Uncertain significance. Review status: criteria provided, multiple submitters, no conflicts (2 of 4 stars). 2 submissions from 2 submitters: Uncertain significance (2). Last evaluated 2026-01-11.

Conditions:
Hermansky-Pudlak syndrome 3 (HPS3). Identifiers: Orphanet 231512, Orphanet 79430, MedGen C3888001, MONDO:0013555, OMIM 614072.

Allele frequency attached by ClinVar (database versions not stated): gnomAD 0.00002 and 0.00003; TOPMed 0.00003; gnomAD exomes 0.00004 and 0.00011; ExAC 0.00014; 1000 Genomes Project 30x 0.00016; 1000 Genomes Project 0.00020.
gnomAD v4.1: 47 of 1,379,310 alleles (0.0034%); highest among the groups gnomAD compares: East Asian, 0.1%; no homozygotes.

Submissions (2):

Labcorp Genetics (formerly Invitae), Labcorp
Classification: Uncertain significance. Last evaluated: 2026-01-11. Review status: criteria provided, single submitter. Criteria: Invitae Variant Classification Sherloc (09022015). Collection method: clinical testing. Allele origin: germline.
Comment: This sequence change falls in intron 8 of the HPS3 gene. It does not directly change the encoded amino acid sequence of the HPS3 protein. It affects a nucleotide within the consensus splice site. This variant is present in population databases (rs200117898, gnomAD 0.1%). This variant has not been reported in the literature in individuals affected with HPS3-related conditions. ClinVar contains an entry for this variant (Variation ID: 902307). Variants that disrupt the consensus splice site are a relatively common cause of aberrant splicing (PMID: 17576681, 9536098). Algorithms developed to predict the effect of sequence changes on RNA splicing suggest that this variant is not likely to affect RNA splicing. In summary, the available evidence is currently insufficient to determine the role of this variant in disease. Therefore, it has been classified as a Variant of Uncertain Significance.

Illumina Laboratory Services, Illumina
Classification: Uncertain significance for Hermansky-Pudlak syndrome 3. Last evaluated: 2018-01-13. Review status: criteria provided, single submitter. Criteria: ICSL Variant Classification Criteria 13 December 2019. Collection method: clinical testing. Allele origin: germline.

Literature cited by the submitters: PubMed 17576681 (cited by Labcorp Genetics (formerly Invitae), Labcorp); PubMed 9536098 (cited by Labcorp Genetics (formerly Invitae), Labcorp).